The following is an entry in ClinVar:

NM_000051.4(ATM):c.5343C>T (p.Asp1781=)

Gene: ATM (ATM serine/threonine kinase; plus strand). Cytogenetic location: 11q22.3.
Variant type: single nucleotide variant.
Coding change: c.5343C>T on transcript NM_000051.4 (MANE Select); coding-DNA position 5343, C replaced by T.
Protein change: p.Asp1781=; no amino-acid change (aspartic acid 1781 retained).
Molecular consequence: synonymous variant.
Genome position (GRCh38, 1-based): chr11:108,302,876, C>T. VCF-style: chr11-108302876-C-T. GRCh37 (hg19) VCF-style: chr11-108173603-C-T.
Other names: c.5343C>T, p.Asp1781= (NM_001351834.2).
Identifiers: ClinVar variation 3253782 (VCV003253782.2), dbSNP rs2135927421.

ClinVar aggregate classification (germline): Benign/Likely benign. Review status: criteria provided, multiple submitters, no conflicts (2 of 4 stars). 2 submissions from 2 submitters: Benign (1); Likely benign (1). Last evaluated 2026-04-12.

Conditions:
Hereditary cancer-predisposing syndrome. Also called: Neoplastic Syndromes, Hereditary; Tumor predisposition; Hereditary Cancer Syndrome; Hereditary neoplastic syndrome. Identifiers: Orphanet 140162, MedGen C0027672, MeSH D009386, MONDO:0015356.
Familial cancer of breast. Also called: BREAST CANCER, FAMILIAL; Hereditary breast cancer; hereditary breast carcinoma. Identifiers: Orphanet 227535, MedGen C0346153, MONDO:0016419, OMIM 114480. Disease mechanism: loss of function.

Submissions (2):

Ambry Genetics
Classification: Likely benign for Hereditary cancer-predisposing syndrome. Last evaluated: 2026-04-12. Review status: criteria provided, single submitter. Criteria: Ambry Variant Classification Scheme 2023. Collection method: clinical testing. Allele origin: germline.

Myriad Genetics, Inc.
Classification: Benign for Familial cancer of breast. Last evaluated: 2024-05-23. Review status: criteria provided, single submitter. Criteria: Myriad Autosomal Dominant, Autosomal Recessive and X-Linked Classification Criteria (2023). Collection method: clinical testing. Allele origin: unknown.
Comment: This variant is considered benign. This variant is a silent/synonymous amino acid change and it is not expected to impact splicing.